The following is an entry in ClinVar:

NM_001384732.1(CPLANE1):c.5900+15A>G

Gene: CPLANE1 (ciliogenesis and planar polarity effector complex subunit 1; minus strand). Cytogenetic location: 5p13.2.
Variant type: single nucleotide variant.
Coding change: c.5900+15A>G on transcript NM_001384732.1 (MANE Select); 15 bases into the intron after coding-DNA position 5900, A replaced by G.
Molecular consequence: intron variant.
Genome position (GRCh38, 1-based): chr5:37,177,606, T>C on the plus strand (A>G on the coding strand, the complement: CPLANE1 is on the minus strand). VCF-style: chr5-37177606-T-C. GRCh37 (hg19) VCF-style: chr5-37177708-T-C.
Other names: c.5900+15A>G (NM_023073.4).
Identifiers: ClinVar variation 1934285 (VCV001934285.5), dbSNP rs780150980, ClinGen allele CA3238413.

ClinVar aggregate classification (germline): Uncertain significance (1 of 4 stars; one submission).

Allele frequency attached by ClinVar (database versions not stated): gnomAD exomes below 0.00001; ExAC 0.00001.
gnomAD v4.1: 1 of 1,591,928 alleles (0.000063%); highest among the groups gnomAD compares: Non-Finnish European, 0.000086%; no homozygotes.

Submission:

Labcorp Genetics (formerly Invitae), Labcorp
Classification: Uncertain significance. Last evaluated: 2022-07-19. Review status: criteria provided, single submitter. Criteria: Invitae Variant Classification Sherloc (09022015). Collection method: clinical testing. Allele origin: germline.
Comment: This variant is present in population databases (rs780150980, gnomAD 0.0009%). This sequence change falls in intron 30 of the CPLANE1 gene. It does not directly change the encoded amino acid sequence of the CPLANE1 protein. This variant has not been reported in the literature in individuals affected with CPLANE1-related conditions. In summary, the available evidence is currently insufficient to determine the role of this variant in disease. Therefore, it has been classified as a Variant of Uncertain Significance. Algorithms developed to predict the effect of sequence changes on RNA splicing suggest that this variant may create or strengthen a splice site.